The following is an entry in ClinVar:

NM_001204.7(BMPR2):c.425C>T (p.Pro142Leu)

Gene: BMPR2 (bone morphogenetic protein receptor type 2; plus strand). Cytogenetic location: 2q33.2.
Variant type: single nucleotide variant.
Coding change: c.425C>T on transcript NM_001204.7 (MANE Select); coding-DNA position 425, C replaced by T.
Protein change: p.Pro142Leu; replaces proline 142 with leucine.
Molecular consequence: missense variant.
Genome position (GRCh38, 1-based): chr2:202,513,725, C>T. VCF-style: chr2-202513725-C-T. GRCh37 (hg19) VCF-style: chr2-203378448-C-T.
Other names: short protein forms P142L.
Identifiers: ClinVar variation 3992226 (VCV003992226.2).

ClinVar aggregate classification (germline): Uncertain significance. Review status: criteria provided, multiple submitters, no conflicts (2 of 4 stars). 2 submissions from 2 submitters: Uncertain significance (2). Last evaluated 2025-06-06.

Conditions:
Inborn genetic diseases. Identifiers: MedGen C0950123, MeSH D030342.
Primary pulmonary hypertension. Also called: Idiopathic pulmonary hypertension. Identifiers: MedGen C0152171.

Submissions (2):

Ambry Genetics
Classification: Uncertain significance for Inborn genetic diseases. Last evaluated: 2025-06-06. Review status: criteria provided, single submitter. Criteria: Ambry Variant Classification Scheme 2023. Collection method: clinical testing. Allele origin: germline.
Comment: The p.P142L variant (also known as c.425C>T), located in coding exon 4 of the BMPR2 gene, results from a C to T substitution at nucleotide position 425. The proline at codon 142 is replaced by leucine, an amino acid with similar properties. This amino acid position is conserved. In addition, this alteration is predicted to be tolerated by in silico analysis. Based on the available evidence, the clinical significance of this variant remains unclear.

Labcorp Genetics (formerly Invitae), Labcorp
Classification: Uncertain significance for Primary pulmonary hypertension. Last evaluated: 2025-05-21. Review status: criteria provided, single submitter. Criteria: Invitae Variant Classification Sherloc (09022015). Collection method: clinical testing. Allele origin: germline.
Comment: This sequence change replaces proline, which is neutral and non-polar, with leucine, which is neutral and non-polar, at codon 142 of the BMPR2 protein (p.Pro142Leu). This variant is not present in population databases (gnomAD no frequency). This variant has not been reported in the literature in individuals affected with BMPR2-related conditions. Invitae Evidence Modeling of protein sequence and biophysical properties (such as structural, functional, and spatial information, amino acid conservation, physicochemical variation, residue mobility, and thermodynamic stability) indicates that this missense variant is not expected to disrupt BMPR2 protein function with a negative predictive value of 95%. In summary, the available evidence is currently insufficient to determine the role of this variant in disease. Therefore, it has been classified as a Variant of Uncertain Significance.